The following is an entry in ClinVar:

ClinVar aggregate classification (germline): Conflicting classifications of pathogenicity. Review status: criteria provided, conflicting classifications (1 of 4 stars). 7 submissions from 7 submitters: Uncertain significance (5); Benign (1). 1 of the submissions does not count toward it. Last evaluated 2026-02-04.

Conditions:
WRN-related disorder. Also called: WRN-related condition.
Werner syndrome (WRN). Identifiers: Orphanet 902, MedGen C0043119, MONDO:0010196, OMIM 277700.

Allele frequency attached by ClinVar (database versions not stated): 1000 Genomes Project 0.00040; 1000 Genomes Project 30x 0.00062; ExAC 0.00102; gnomAD 0.00141 and 0.00169; gnomAD exomes 0.00141; TOPMed 0.00187; ESP Exome Variant Server 0.00208.
gnomAD v4.1: 3,676 of 1,612,084 alleles (0.23%); highest among the groups gnomAD compares: Non-Finnish European, 0.27%; 4 homozygotes.

Submissions (7):

Labcorp Genetics (formerly Invitae), Labcorp
Classification: Benign for Werner syndrome. Last evaluated: 2026-02-04. Review status: criteria provided, single submitter. Criteria: Invitae Variant Classification Sherloc (09022015). Collection method: clinical testing. Allele origin: germline.

CeGaT Center for Human Genetics Tuebingen
Classification: Uncertain significance. Last evaluated: 2024-05-01. Review status: criteria provided, single submitter. Criteria: CeGaT Center For Human Genetics Tuebingen Variant Classification Criteria Version 2. Collection method: clinical testing. Allele origin: germline. Affected: yes. Observed: 3 variant alleles.

Institute for Clinical Genetics, University Hospital TU Dresden, University Hospital TU Dresden
Classification: Uncertain significance. Last evaluated: 2021-11-03. Review status: criteria provided, single submitter. Criteria: ACMG Guidelines, 2015. Collection method: clinical testing. Allele origin: germline.

Revvity Omics, Revvity
Classification: Uncertain significance for Werner syndrome. Last evaluated: 2020-08-26. Review status: criteria provided, single submitter. Criteria: ACMG Guidelines, 2015. Collection method: clinical testing. Allele origin: germline.

GeneDx
Classification: Uncertain significance. Last evaluated: 2020-07-07. Review status: criteria provided, single submitter. Criteria: GeneDx Variant Classification Process June 2021. Collection method: clinical testing. Allele origin: germline. Affected: yes.
Comment: In silico analysis supports that this missense variant has a deleterious effect on protein structure/function; This variant is associated with the following publications: (PMID: 32041611, 28591191)

Illumina Laboratory Services, Illumina
Classification: Uncertain significance for Werner syndrome. Last evaluated: 2018-01-13. Review status: criteria provided, single submitter. Criteria: ICSL Variant Classification Criteria 13 December 2019. Collection method: clinical testing. Allele origin: germline.

PreventionGenetics, part of Exact Sciences
Classification: Likely benign for WRN-related condition. Last evaluated: 2022-04-11. Review status: no assertion criteria provided. Collection method: clinical testing. Allele origin: germline. Not counted in ClinVar's aggregate classification.
Comment: This variant is classified as likely benign based on ACMG/AMP sequence variant interpretation guidelines (Richards et al. 2015 PMID: 25741868, with internal and published modifications).

NM_000553.6(WRN):c.1717A>G (p.Thr573Ala)

Gene: WRN (WRN RecQ like helicase; plus strand). Cytogenetic location: 8p12.
Variant type: single nucleotide variant.
Coding change: c.1717A>G on transcript NM_000553.6 (MANE Select); coding-DNA position 1717, A replaced by G.
Protein change: p.Thr573Ala; replaces threonine 573 with alanine.
Molecular consequence: missense variant.
Genome position (GRCh38, 1-based): chr8:31,090,529, A>G. VCF-style: chr8-31090529-A-G. GRCh37 (hg19) VCF-style: chr8-30948045-A-G.
Other names: short protein forms T573A.
Identifiers: ClinVar variation 238128 (VCV000238128.63), dbSNP rs150148567, ClinGen allele CA4704456.